The following is an entry in ClinVar:

NM_003128.3(SPTBN1):c.190G>T (p.Val64Phe)

Gene: SPTBN1 (spectrin beta, non-erythrocytic 1; plus strand). Cytogenetic location: 2p16.2.
Variant type: single nucleotide variant.
Coding change: c.190G>T on transcript NM_003128.3 (MANE Select); coding-DNA position 190, G replaced by T.
Protein change: p.Val64Phe; replaces valine 64 with phenylalanine.
Molecular consequence: missense variant.
Genome position (GRCh38, 1-based): chr2:54,599,133, G>T. VCF-style: chr2-54599133-G-T. GRCh37 (hg19) VCF-style: chr2-54826270-G-T.
Other names: c.151G>T, p.Val51Phe (NM_178313.3); short protein forms V51F, V64F.
Identifiers: ClinVar variation 4531866 (VCV004531866.1).

ClinVar aggregate classification (germline): Likely pathogenic (1 of 4 stars; one submission).

Conditions:
Developmental delay, impaired speech, and behavioral abnormalities. Identifiers: MedGen C5561957, MONDO:0859178, OMIM 619475.

Submission:

Victorian Clinical Genetics Services, Murdoch Childrens Research Institute
Classification: Likely pathogenic for Developmental delay, impaired speech, and behavioral abnormalities. Last evaluated: 2025-03-13. Review status: criteria provided, single submitter. Criteria: ACMG Guidelines, 2015. Collection method: clinical testing. Allele origin: germline. Affected: yes.
Comment: This variant is classified as Likely pathogenic. Evidence in support of pathogenic classification: Variant is absent from gnomAD (v2, v3 and v4); Missense variant predicted to be damaging by in silico tool(s) or highly conserved with a major amino acid change; Additional information: Variant is predicted to result in a missense amino acid change from valine to phenylalanine; This variant is heterozygous; This gene is associated with autosomal dominant disease; Alternative amino acid change(s) at the same position are present in gnomAD (highest allele count: v4: 4 heterozygote(s), 0 homozygote(s)); This variant has no previous evidence of pathogenicity; No published segregation evidence has been identified for this variant; No published functional evidence has been identified for this variant; No comparable missense variants have previous evidence for pathogenicity; Variant is located in the annotated calponin homology domain (DECIPHER); Loss of function is a known mechanism of disease in this gene and is associated with developmental delay, impaired speech, and behavioural abnormalities (MIM#619475).